The following is an entry in ClinVar:

ClinVar aggregate classification (germline): Uncertain significance (1 of 4 stars; one submission).

Submission:

Labcorp Genetics (formerly Invitae), Labcorp
Classification: Uncertain significance. Last evaluated: 2025-12-09. Review status: criteria provided, single submitter. Criteria: Invitae Variant Classification Sherloc (09022015). Collection method: clinical testing. Allele origin: germline.
Comment: This sequence change replaces alanine, which is neutral and non-polar, with threonine, which is neutral and polar, at codon 150 of the TRIM8 protein (p.Ala150Thr). This variant is not present in population databases (gnomAD no frequency). This variant has not been reported in the literature in individuals affected with TRIM8-related conditions. An algorithm developed to predict the effect of missense changes on protein structure and function (PolyPhen-2) suggests that this variant is likely to be tolerated. In summary, the available evidence is currently insufficient to determine the role of this variant in disease. Therefore, it has been classified as a Variant of Uncertain Significance.

NM_030912.3(TRIM8):c.448G>A (p.Ala150Thr)

Gene: TRIM8 (tripartite motif containing 8; plus strand). Cytogenetic location: 10q24.32.
Variant type: single nucleotide variant.
Coding change: c.448G>A on transcript NM_030912.3 (MANE Select); coding-DNA position 448, G replaced by A.
Protein change: p.Ala150Thr; replaces alanine 150 with threonine.
Molecular consequence: missense variant. On other transcripts: non-coding transcript variant (1).
Genome position (GRCh38, 1-based): chr10:102,645,065, G>A. VCF-style: chr10-102645065-G-A. GRCh37 (hg19) VCF-style: chr10-104404822-G-A.
Other names: c.448G>A, p.Ala150Thr (NM_001345950.1); short protein forms A150T.
Identifiers: ClinVar variation 4711023 (VCV004711023.1).